The following is an entry in ClinVar:

NM_007254.4(PNKP):c.1126+9C>T

Gene: PNKP (polynucleotide kinase 3'-phosphatase; minus strand). Cytogenetic location: 19q13.33.
Variant type: single nucleotide variant.
Coding change: c.1126+9C>T on transcript NM_007254.4 (MANE Select); 9 bases into the intron after coding-DNA position 1126, C replaced by T.
Molecular consequence: intron variant.
Genome position (GRCh38, 1-based): chr19:49,862,176, G>A on the plus strand (C>T on the coding strand, the complement: PNKP is on the minus strand). VCF-style: chr19-49862176-G-A. GRCh37 (hg19) VCF-style: chr19-50365433-G-A.
Identifiers: ClinVar variation 138719 (VCV000138719.19), dbSNP rs3739202, ClinGen allele CA251142.

ClinVar aggregate classification (germline): Conflicting classifications of pathogenicity. Review status: criteria provided, conflicting classifications (1 of 4 stars). 5 submissions from 5 submitters: Uncertain significance (1); Benign (2); Likely benign (1). 1 of the submissions does not count toward it. Last evaluated 2026-01-21.

Conditions:
PNKP-related disorder. Also called: PNKP-related condition; PNKP-related disorders.
Developmental and epileptic encephalopathy, 12 (DEE12). Identifiers: MedGen C3150988, MONDO:0013389, OMIM 613722.
Microcephaly, seizures, and developmental delay. Identifiers: Orphanet 1934, MedGen C3150667, MONDO:0013254, OMIM 613402.

Allele frequency attached by ClinVar (database versions not stated): gnomAD 0.00004 and 0.00022; TOPMed 0.00005; ESP Exome Variant Server 0.00008; gnomAD exomes 0.00047 and 0.00095; ExAC 0.00096; 1000 Genomes Project 30x 0.00109; 1000 Genomes Project 0.00120.
gnomAD v4.1: 714 of 1,613,800 alleles (0.044%); highest among the groups gnomAD compares: South Asian, 0.68%; 4 homozygotes.

Submissions (5):

Labcorp Genetics (formerly Invitae), Labcorp
Classification: Benign for Developmental and epileptic encephalopathy, 12. Last evaluated: 2026-01-21. Review status: criteria provided, single submitter. Criteria: Invitae Variant Classification Sherloc (09022015). Collection method: clinical testing. Allele origin: germline.

Blueprint Genetics
Classification: Likely benign. Last evaluated: 2024-10-25. Review status: criteria provided, single submitter. Criteria: ACMG Guidelines, 2015. Collection method: clinical testing. Allele origin: germline.

GeneDx
Classification: Benign. Last evaluated: 2014-05-21. Review status: criteria provided, single submitter. Criteria: GeneDx Variant Classification (06012015). Collection method: clinical testing. Allele origin: germline. Affected: yes.
Comment: This variant is considered likely benign or benign based on one or more of the following criteria: it is a conservative change, it occurs at a poorly conserved position in the protein, it is predicted to be benign by multiple in silico algorithms, and/or has population frequency not consistent with disease.

Genetic Services Laboratory, University of Chicago
Classification: Uncertain significance for Epileptic encephalopathy, early infantile, 10. Last evaluated: 2013-02-08. Review status: criteria provided, single submitter. Criteria: ACMG Guidelines, 2007. Collection method: clinical testing. Allele origin: germline. Inheritance: Autosomal recessive inheritance.

PreventionGenetics, part of Exact Sciences
Classification: Benign for PNKP-related condition. Last evaluated: 2021-02-11. Review status: no assertion criteria provided. Collection method: clinical testing. Allele origin: germline. Not counted in ClinVar's aggregate classification.
Comment: This variant is classified as benign based on ACMG/AMP sequence variant interpretation guidelines (Richards et al. 2015 PMID: 25741868, with internal and published modifications).